The following is an entry in ClinVar:

NM_001042492.3(NF1):c.4946G>A (p.Gly1649Glu)

Gene: NF1 (neurofibromin 1; plus strand). Cytogenetic location: 17q11.2.
Variant type: single nucleotide variant.
Coding change: c.4946G>A on transcript NM_001042492.3 (MANE Select); coding-DNA position 4946, G replaced by A.
Protein change: p.Gly1649Glu; replaces glycine 1649 with glutamic acid.
Molecular consequence: missense variant.
Genome position (GRCh38, 1-based): chr17:31,325,930, G>A. VCF-style: chr17-31325930-G-A. GRCh37 (hg19) VCF-style: chr17-29652948-G-A.
Other names: c.4883G>A, p.Gly1628Glu (NM_000267.4); short protein forms G1628E, G1649E.
Identifiers: ClinVar variation 825257 (VCV000825257.4), dbSNP rs1597829715, ClinGen allele CA399007165.

ClinVar aggregate classification (germline): Uncertain significance (1 of 4 stars; one submission).

Conditions:
Hereditary cancer-predisposing syndrome. Also called: Neoplastic Syndromes, Hereditary; Tumor predisposition; Hereditary neoplastic syndrome; Hereditary Cancer Syndrome. Identifiers: Orphanet 140162, MedGen C0027672, MeSH D009386, MONDO:0015356.
Cardiovascular phenotype. Identifiers: MedGen CN230736.

Submission:

Ambry Genetics
Classification: Uncertain significance for Cardiovascular phenotype; Hereditary cancer-predisposing syndrome. Last evaluated: 2019-05-31. Review status: criteria provided, single submitter. Criteria: Ambry Variant Classification Scheme 2023. Collection method: clinical testing. Allele origin: germline.
Comment: The p.G1628E variant (also known as c.4883G>A), located in coding exon 36 of the NF1 gene, results from a G to A substitution at nucleotide position 4883. The glycine at codon 1628 is replaced by glutamic acid, an amino acid with similar properties. This amino acid position is highly conserved in available vertebrate species. In addition, this alteration is predicted to be deleterious by in silico analysis. Since supporting evidence is limited at this time, the clinical significance of this alteration remains unclear.